The following is an entry in ClinVar:

ClinVar aggregate classification (germline): Likely benign (1 of 4 stars; one submission).

Submission:

CeGaT Center for Human Genetics Tuebingen
Classification: Likely benign. Last evaluated: 2025-08-01. Review status: criteria provided, single submitter. Criteria: CeGaT Center For Human Genetics Tuebingen Variant Classification Criteria Version 2. Collection method: clinical testing. Allele origin: germline. Affected: yes. Observed: 1 variant allele.
Comment: HLA-DQB1: PM2:Supporting, BP4, BP7

NM_002123.5(HLA-DQB1):c.414A>G (p.Thr138=)

Gene: HLA-DQB1 (major histocompatibility complex, class II, DQ beta 1; minus strand). Cytogenetic location: 6p21.32.
Variant type: single nucleotide variant.
Coding change: c.414A>G on transcript NM_002123.5 (MANE Select); coding-DNA position 414, A replaced by G.
Protein change: p.Thr138=; no amino-acid change (threonine 138 retained).
Molecular consequence: synonymous variant.
Genome position (GRCh38, 1-based): chr6:32,662,214, T>C on the plus strand (A>G on the coding strand, the complement: HLA-DQB1 is on the minus strand). VCF-style: chr6-32662214-T-C. GRCh37 (hg19) VCF-style: chr6-32629991-T-C.
Other names: c.414A>G, p.Thr138= (NM_001243961.2).
Identifiers: ClinVar variation 4085816 (VCV004085816.8).